The following is an entry in ClinVar:

ClinVar aggregate classification (germline): Uncertain significance (1 of 4 stars; one submission).

Conditions:
Autosomal dominant Parkinson disease 8. Also called: LRRK2-Related Parkinson Disease; Parkinson disease 8; Parkinson disease 8, susceptibility to. Identifiers: Orphanet 411602, MedGen C1846862, MONDO:0011764, OMIM 607060.

Allele frequency attached by ClinVar (database versions not stated): gnomAD 0.00004; TOPMed 0.00008; ExAC 0.00010.
gnomAD v4.1: 57 of 1,612,398 alleles (0.0035%); highest among the groups gnomAD compares: Admixed American, 0.055%; no homozygotes.

Submission:

Labcorp Genetics (formerly Invitae), Labcorp
Classification: Uncertain significance for Autosomal dominant Parkinson disease 8. Last evaluated: 2025-06-15. Review status: criteria provided, single submitter. Criteria: Invitae Variant Classification Sherloc (09022015). Collection method: clinical testing. Allele origin: germline.
Comment: This sequence change replaces serine, which is neutral and polar, with leucine, which is neutral and non-polar, at codon 1536 of the LRRK2 protein (p.Ser1536Leu). This variant is present in population databases (rs201247412, gnomAD 0.07%), and has an allele count higher than expected for a pathogenic variant. This variant has not been reported in the literature in individuals affected with LRRK2-related conditions. ClinVar contains an entry for this variant (Variation ID: 1934681). An algorithm developed to predict the effect of missense changes on protein structure and function outputs the following: PolyPhen-2: "Benign". The leucine amino acid residue is found in multiple mammalian species, which suggests that this missense change does not adversely affect protein function. In summary, the available evidence is currently insufficient to determine the role of this variant in disease. Therefore, it has been classified as a Variant of Uncertain Significance.

NM_198578.4(LRRK2):c.4607C>T (p.Ser1536Leu)

Gene: LRRK2 (leucine rich repeat kinase 2; plus strand). Cytogenetic location: 12q12.
Variant type: single nucleotide variant.
Coding change: c.4607C>T on transcript NM_198578.4 (MANE Select); coding-DNA position 4607, C replaced by T.
Protein change: p.Ser1536Leu; replaces serine 1536 with leucine.
Molecular consequence: missense variant.
Genome position (GRCh38, 1-based): chr12:40,314,042, C>T. VCF-style: chr12-40314042-C-T. GRCh37 (hg19) VCF-style: chr12-40707844-C-T.
Other names: short protein forms S1536L.
Identifiers: ClinVar variation 1934681 (VCV001934681.5), dbSNP rs201247412, ClinGen allele CA6514227.